The following is an entry in ClinVar:

NM_000135.4(FANCA):c.4083C>G (p.Tyr1361Ter)

Genes: FANCA (FA complementation group A; minus strand), ZNF276 (zinc finger protein 276; plus strand). Cytogenetic location: 16q24.3.
Variant type: single nucleotide variant.
Coding change: c.4083C>G on transcript NM_000135.4 (MANE Select); coding-DNA position 4083, C replaced by G.
Protein change: p.Tyr1361Ter; replaces tyrosine 1361 with a stop codon.
Molecular consequence: nonsense. On other transcripts: 3 prime UTR variant (2), non-coding transcript variant (4).
Genome position (GRCh38, 1-based): chr16:89,739,217, G>C on the plus strand (C>G on the coding strand, the complement: FANCA is on the minus strand). VCF-style: chr16-89739217-G-C. GRCh37 (hg19) VCF-style: chr16-89805625-G-C.
Other names: c.4083C>G, p.Tyr1361Ter (NM_001286167.3); c.*971G>C (NM_001113525.2, NM_152287.4); short protein forms Y1361*.
Identifiers: ClinVar variation 4081676 (VCV004081676.1).
Genomic context (GRCh38, chr16:89,739,217, plus strand): 5'-GCCAGCTGGAGGTGAAACTGTGCTTGTATCCCCAGCCACGAAGAGCTGGACCAGCTTCAA[G>C]TACATGTCCACAGCAACATGCAGGAAGGCCTCTTCCCTGATGGCCGCGTCTTCATGGAAG-3'

ClinVar aggregate classification (germline): Pathogenic (1 of 4 stars; one submission).

Conditions:
Fanconi anemia complementation group A (FANCA). Also called: FANCA-Related Fanconi Anemia; Fanconi anemia, group A. Identifiers: Orphanet 84, MedGen C3469521, MONDO:0009215, OMIM 227650.

Submission:

Myriad Genetics, Inc.
Classification: Pathogenic for Fanconi anemia complementation group A. Last evaluated: 2025-04-23. Review status: criteria provided, single submitter. Criteria: Myriad Autosomal Dominant, Autosomal Recessive and X-Linked Classification Criteria (2023). Collection method: clinical testing. Allele origin: unknown.
Comment: NM_000135.2(FANCA):c.4083C>G(Y1361*) is a nonsense variant classified as pathogenic in the context of Fanconi anemia complementation group A. Y1361* has been observed in a case with relevant disease (PMID: 16532972). Relevant functional assessments of this variant are not available in the literature. Y1361* has not been observed in referenced population frequency databases. In summary, NM_000135.2(FANCA):c.4083C>G(Y1361*) is a nonsense variant that has been observed more frequently in cases with the relevant disease than in healthy populations. Please note: this variant was assessed in the context of healthy population screening.

Literature cited by the submitters: PubMed 16532972.